The following is an entry in ClinVar:

NM_000552.5(VWF):c.1992dup (p.Cys665fs)

Gene: VWF (von Willebrand factor; minus strand). Cytogenetic location: 12p13.31.
Variant type: Duplication.
Coding change: c.1992dup on transcript NM_000552.5 (MANE Select); coding-DNA position 1992, one base duplicated (C; older notation c.1992dupC).
Protein change: p.Cys665fs; shifts the reading frame from cysteine 665.
Molecular consequence: frameshift variant.
Genome position (GRCh38, 1-based): chr12:6,052,737, G duplicated on the plus strand (C on the coding strand, the reverse complement: VWF is on the minus strand); the first of 5 consecutive G bases (chr12:6,052,737-6,052,741); duplicating any one gives the same sequence. VCF-style (leftmost placement, unchanged base first): chr12-6052736-A-AG. GRCh37 (hg19) VCF-style: chr12-6161902-A-AG.
Other names: short protein forms C665fs.
Identifiers: ClinVar variation 3572155 (VCV003572155.1).

ClinVar aggregate classification (germline): Pathogenic (1 of 4 stars; one submission).

Submission:

Quest Diagnostics Nichols Institute San Juan Capistrano
Classification: Pathogenic. Last evaluated: 2024-08-19. Review status: criteria provided, single submitter. Criteria: Quest Diagnostics criteria. Collection method: clinical testing. Allele origin: unknown.
Comment: The VWF c.1992dup (p.Cys665Leufs*13) variant alters the translational reading frame of the VWF mRNA and causes the premature termination of VWF protein synthesis. This variant has been reported in the published literature in individuals with Von Willebrand disease type 3 (PMID: 21362127 (2011)) including one compound heterozygous individual who also carried the p.Tyr126ThrfsTer49 frameshift variant (PMID: 28971901 (2017)). This variant has not been reported in large, multi-ethnic general populations (Genome Aggregation Database). Based on the available information, this variant is classified as pathogenic.

Literature cited by the submitters: PubMed 28971901; PubMed 21362127.